The following is an entry in ClinVar:

NM_170606.3(KMT2C):c.8341A>G (p.Ile2781Val)

Gene: KMT2C (lysine methyltransferase 2C; minus strand). Cytogenetic location: 7q36.1.
Variant type: single nucleotide variant.
Coding change: c.8341A>G on transcript NM_170606.3 (MANE Select); coding-DNA position 8341, A replaced by G.
Protein change: p.Ile2781Val; replaces isoleucine 2781 with valine.
Molecular consequence: missense variant.
Genome position (GRCh38, 1-based): chr7:152,177,112, T>C on the plus strand (A>G on the coding strand, the complement: KMT2C is on the minus strand). VCF-style: chr7-152177112-T-C. GRCh37 (hg19) VCF-style: chr7-151874197-T-C.
Other names: short protein forms I2781V.
Identifiers: ClinVar variation 2658207 (VCV002658207.24), dbSNP rs571899020, ClinGen allele CA4579687.
Genomic context (GRCh38, chr7:152,177,112, plus strand): 5'-TTTCTTGTTCCTTTTTTTTTGGTTCAACAGATACACACTGATTATCTAACTTATCATCAA[T>C]TGGAAGGTCTAGTTCCTCATTAAACATGCTTTTCTTATCTCCCATGTCAAGTTCTGGATC-3'
Protein context (NP_733751.2, residues 2771-2791): SMFNEELDLP[Ile2781Val]DDKLDNQCVS

ClinVar aggregate classification (germline): Likely benign (1 of 4 stars; one submission).

Allele frequency attached by ClinVar (database versions not stated): gnomAD exomes 0.00001; ExAC 0.00002; gnomAD 0.00004; TOPMed 0.00004; 1000 Genomes Project 30x 0.00016; 1000 Genomes Project 0.00020.
gnomAD v4.1: 15 of 1,613,262 alleles (0.00093%); highest among the groups gnomAD compares: African/African-American, 0.012%; no homozygotes.

Submission:

CeGaT Center for Human Genetics Tuebingen
Classification: Likely benign. Last evaluated: 2022-07-01. Review status: criteria provided, single submitter. Criteria: CeGaT Center For Human Genetics Tuebingen Variant Classification Criteria Version 2. Collection method: clinical testing. Allele origin: germline. Affected: yes. Observed: 1 variant allele.
Comment: KMT2C: BP4